The following is an entry in ClinVar:

ClinVar aggregate classification (germline): Likely pathogenic (1 of 4 stars; one submission).

Conditions:
Short-rib thoracic dysplasia 6 with or without polydactyly (SRTD6). Also called: POLYDACTYLY WITH NEONATAL CHONDRODYSTROPHY, TYPE II; SHORT-RIB THORACIC DYSPLASIA 6 WITHOUT POLYDACTYLY; Majewski Syndrome; SHORT-RIB THORACIC DYSPLASIA 6 WITH POLYDACTYLY; SHORT RIB-POLYDACTYLY SYNDROME, TYPE IIA. Identifiers: MedGen C0024507, MONDO:0009894, OMIM 263520.

Submission:

MVZ Medizinische Genetik Mainz
Classification: Likely pathogenic for Short-rib thoracic dysplasia 6 with or without polydactyly. Last evaluated: 2025-11-19. Review status: criteria provided, single submitter. Criteria: UK Practice Guidelines For Variant Classification V4 01 2020. Collection method: clinical testing. Allele origin: germline. Inheritance: Autosomal dominant inheritance. Affected: yes. Observed: 1 variant allele.
Comment: ACMG Criteria: PVS1,PM2_SUP

NM_001199397.3(NEK1):c.1623del (p.Lys541fs)

Gene: NEK1 (NIMA related kinase 1; minus strand). Cytogenetic location: 4q33.
Variant type: Deletion.
Coding change: c.1623del on transcript NM_001199397.3 (MANE Select); coding-DNA position 1623, one base deleted (A; older notation c.1623delA).
Protein change: p.Lys541fs; shifts the reading frame from lysine 541.
Molecular consequence: frameshift variant. On other transcripts: non-coding transcript variant (1).
Genome position (GRCh38, 1-based): chr4:169,537,851, T deleted on the plus strand (A on the coding strand, the reverse complement: NEK1 is on the minus strand); the first of 4 consecutive T bases (chr4:169,537,851-169,537,854); deleting any one gives the same sequence. VCF-style (leftmost placement, unchanged base first): chr4-169537850-GT-G. GRCh37 (hg19) VCF-style: chr4-170459001-GT-G.
Other names: c.1491del, p.Lys497fs (NM_001199398.3, NM_001199400.3, NM_001440622.1 and 1 more transcripts); c.1416del, p.Lys472fs (NM_001199399.3); c.1623del, p.Lys541fs (NM_001374418.1, NM_001374419.1, NM_001440620.1 and 2 more transcripts); c.1572del, p.Lys524fs (NM_001374420.1); c.1497del, p.Lys499fs (NM_001374421.1); c.1002del, p.Lys334fs (NM_001440624.1); c.870del, p.Lys290fs (NM_001440625.1); short protein forms K290fs, K334fs, K472fs, K497fs, K499fs, K524fs, K541fs.
Identifiers: ClinVar variation 5038088 (VCV005038088.1).